The following is an entry in ClinVar:

ClinVar aggregate classification (germline): Uncertain significance (0 of 4 stars; one submission).

Conditions:
Charcot-Marie-Tooth disease axonal type 2Z. Also called: CHARCOT-MARIE-TOOTH DISEASE, AXONAL, AUTOSOMAL DOMINANT, TYPE 2Z; CHARCOT-MARIE-TOOTH NEUROPATHY, TYPE 2Z. Identifiers: Orphanet 466768, MedGen C5569025, MONDO:0014736, OMIM 616688.

Submission:

Foundation for Research in Genetics and Endocrinology, FRIGE's Institute of Human Genetics
Classification: Uncertain significance for Charcot-Marie-Tooth disease axonal type 2Z. Last evaluated: 2018-03-20. Review status: no assertion criteria provided. Collection method: clinical testing. Allele origin: germline. Inheritance: Autosomal dominant inheritance. Affected: yes. Observed: 1 variant allele, 1 heterozygote.
Comment: The observed variant c.1034G>T (p.C345F) is not reported in 1000 Genomes and ExAc database. The in silico prediction of the variant is disease causing by MutationTaster2, damaging by SIFT, and possibly damaging by PolyPhen2.

NM_001303256.3(MORC2):c.1220G>T (p.Cys407Phe)

Gene: MORC2 (MORC family CW-type zinc finger 2; minus strand). Cytogenetic location: 22q12.2.
Variant type: single nucleotide variant.
Coding change: c.1220G>T on transcript NM_001303256.3 (MANE Select); coding-DNA position 1220, G replaced by T.
Protein change: p.Cys407Phe; replaces cysteine 407 with phenylalanine.
Molecular consequence: missense variant.
Genome position (GRCh38, 1-based): chr22:30,937,964, C>A on the plus strand (G>T on the coding strand, the complement: MORC2 is on the minus strand). VCF-style: chr22-30937964-C-A. GRCh37 (hg19) VCF-style: chr22-31333951-C-A.
Other names: c.1220G>T, p.Cys407Phe (NM_001303257.2); c.1034G>T, p.Cys345Phe (NM_014941.3); short protein forms C345F, C407F.
Identifiers: ClinVar variation 545019 (VCV000545019.2), dbSNP rs1555938741, ClinGen allele CA411239132.
Genomic context (GRCh38, chr22:30,937,964, plus strand): 5'-TTGTTGTGTGTAGGCTCCAGGACCAGGTAGGGCACATCAACAACCCCAACAACCCCGCCA[C>A]ATGCCCTACAGGGAGAAAGAGAACAAGCTCTGTCACCCCACTGGCAACGCCCTCCTGCCA-3'
Protein context (NP_001290185.1, residues 397-417): VGPQLEGGMA[Cys407Phe]GGVVGVVDVP